The following is an entry in ClinVar:

ClinVar aggregate classification (germline): Uncertain significance (1 of 4 stars; one submission).

Allele frequency attached by ClinVar (database versions not stated): ExAC 0.00002; gnomAD 0.00002; TOPMed 0.00002; gnomAD exomes 0.00003.

Submission:

GeneDx
Classification: Uncertain significance. Last evaluated: 2023-05-13. Review status: criteria provided, single submitter. Criteria: GeneDx Variant Classification Process June 2021. Collection method: clinical testing. Allele origin: germline. Affected: yes.
Comment: In silico analysis supports that this missense variant has a deleterious effect on protein structure/function; Has not been previously published as pathogenic or benign to our knowledge

NM_139278.4(LGI3):c.1077G>T (p.Trp359Cys)

Gene: LGI3 (leucine rich repeat LGI family member 3; minus strand). Cytogenetic location: 8p21.3.
Variant type: single nucleotide variant.
Coding change: c.1077G>T on transcript NM_139278.4 (MANE Select); coding-DNA position 1077, G replaced by T.
Protein change: p.Trp359Cys; replaces tryptophan 359 with cysteine.
Molecular consequence: missense variant.
Genome position (GRCh38, 1-based): chr8:22,148,730, C>A on the plus strand (G>T on the coding strand, the complement: LGI3 is on the minus strand). VCF-style: chr8-22148730-C-A. GRCh37 (hg19) VCF-style: chr8-22006243-C-A.
Other names: short protein forms W359C.
Identifiers: ClinVar variation 2663271 (VCV002663271.1), dbSNP rs759202213, ClinGen allele CA4663393.